The following is an entry in ClinVar:

ClinVar aggregate classification (germline): Pathogenic/Likely pathogenic. Review status: criteria provided, multiple submitters, no conflicts (2 of 4 stars). 4 submissions from 4 submitters: Pathogenic (1); Likely pathogenic (2). 1 of the submissions does not count toward it. Last evaluated 2025-02-07.

Conditions:
Autosomal recessive nonsyndromic hearing loss 67. Identifiers: Orphanet 90636, MedGen C1853223, MONDO:0012460, OMIM 610265.

Allele frequency attached by ClinVar (database versions not stated): TOPMed below 0.00001.

Submissions (4):

Labcorp Genetics (formerly Invitae), Labcorp
Classification: Pathogenic. Last evaluated: 2025-02-07. Review status: criteria provided, single submitter. Criteria: Invitae Variant Classification Sherloc (09022015). Collection method: clinical testing. Allele origin: germline.
Comment: This sequence change affects the initiator methionine of the LHFPL5 mRNA. The next in-frame methionine is located at codon 28. This variant is not present in population databases (gnomAD no frequency). Disruption of the initiator codon has been observed in individual(s) with deafness (PMID: 19888295). It has also been observed to segregate with disease in related individuals. ClinVar contains an entry for this variant (Variation ID: 402282). For these reasons, this variant has been classified as Pathogenic.

King Laboratory, University of Washington
Classification: Likely pathogenic for Autosomal recessive nonsyndromic hearing loss 67. Last evaluated: 2020-08-01. Review status: criteria provided, single submitter. Criteria: Abu Rayyan A et al. (Proc Natl Acad Sci U S A 2020). Collection method: research. Allele origin: germline. Affected: yes.
Comment: LHFPL5 c.1A>G, p.M1V alters the first codon of LHFPL5, leading to loss of the translation start. The entire N-terminal cytoplasmic domain of the protein lises between codon 1 and the next Met at codon 28. The variant is homozygous in 5 Palestinian children with pre-lingual severe to profound hearing loss (Abu Rayyan 2020). It is absent from 1300 Palestinian controls and absent from gnomAD v2.1.1.

Genetics Research Center, University of Social Welfare and Rehabilitation Sciences
Classification: Likely pathogenic for Autosomal recessive nonsyndromic hearing loss 67. Review status: criteria provided, single submitter. Criteria: ACMG Guidelines, 2015. Collection method: research. Allele origin: germline. Affected: yes.
Comment: The c.1A>G (p.Met1Val) variant in LHFPL5 affects the initiation codon and is predicted to disrupt normal translation initiation, potentially resulting in loss of protein expression. This variant is not present in the gnomAD v2.1.1 dataset and has been previously reported in individual(s) affected with LHFPL5-related hearing loss (PMID:30177809, 21726435).

Hereditary Research Laboratory, Bethlehem University
Classification: Pathogenic for Autosomal recessive nonsyndromic hearing loss 67. Last evaluated: 2016-06-04. Review status: no assertion criteria provided. Collection method: research. Allele origin: germline. Affected: yes. Not counted in ClinVar's aggregate classification.

Literature cited by the submitters: PubMed 19888295 (cited by Labcorp Genetics (formerly Invitae), Labcorp); PubMed 30177809 (cited by Genetics Research Center, University of Social Welfare and Rehabilitation Sciences); PubMed 21726435 (cited by Genetics Research Center, University of Social Welfare and Rehabilitation Sciences).

NM_182548.4(LHFPL5):c.1A>G (p.Met1Val)

Gene: LHFPL5 (LHFPL tetraspan subfamily member 5; plus strand). Cytogenetic location: 6p21.31.
Variant type: single nucleotide variant.
Coding change: c.1A>G on transcript NM_182548.4 (MANE Select); coding-DNA position 1, A replaced by G.
Protein change: p.Met1Val; changes the start codon (methionine 1).
Molecular consequence: missense variant, initiator codon variant.
Genome position (GRCh38, 1-based): chr6:35,805,671, A>G. VCF-style: chr6-35805671-A-G. GRCh37 (hg19) VCF-style: chr6-35773448-A-G.
Other names: short protein forms M1V.
Identifiers: ClinVar variation 402282 (VCV000402282.6), dbSNP rs1060499810, ClinGen allele CA16609562.